The following is an entry in ClinVar:

NM_004336.5(BUB1):c.2107A>G (p.Thr703Ala)

Gene: BUB1 (BUB1 mitotic checkpoint serine/threonine kinase; minus strand). Cytogenetic location: 2q13.
Variant type: single nucleotide variant.
Coding change: c.2107A>G on transcript NM_004336.5 (MANE Select); coding-DNA position 2107, A replaced by G.
Protein change: p.Thr703Ala; replaces threonine 703 with alanine.
Molecular consequence: missense variant.
Genome position (GRCh38, 1-based): chr2:110,650,642, T>C on the plus strand (A>G on the coding strand, the complement: BUB1 is on the minus strand). VCF-style: chr2-110650642-T-C. GRCh37 (hg19) VCF-style: chr2-111408219-T-C.
Other names: c.2047A>G, p.Thr683Ala (NM_001278616.2); c.2107A>G, p.Thr703Ala (NM_001278617.2); short protein forms T683A, T703A.
Identifiers: ClinVar variation 1785999 (VCV001785999.2), dbSNP rs757947166, ClinGen allele CA1827891.

ClinVar aggregate classification (germline): Uncertain significance (1 of 4 stars; one submission).

Allele frequency attached by ClinVar (database versions not stated): gnomAD 0.00001; ExAC 0.00002; TOPMed 0.00002.
gnomAD v4.1: 4 of 1,613,874 alleles (0.00025%); highest among the groups gnomAD compares: Admixed American, 0.0067%; no homozygotes.

Submission:

Ambry Genetics
Classification: Uncertain significance. Last evaluated: 2023-10-27. Review status: criteria provided, single submitter. Criteria: Ambry Variant Classification Scheme 2023. Collection method: clinical testing. Allele origin: germline.
Comment: The p.T703A variant (also known as c.2107A>G), located in coding exon 18 of the BUB1 gene, results from an A to G substitution at nucleotide position 2107. The threonine at codon 703 is replaced by alanine, an amino acid with similar properties. This amino acid position is conserved. In addition, this alteration is predicted to be tolerated by in silico analysis. Since supporting evidence is limited at this time, the clinical significance of this alteration remains unclear.